The following is an entry in ClinVar:

NM_031443.4(CCM2):c.677T>G (p.Ile226Ser)

Gene: CCM2 (CCM2 scaffold protein; plus strand). Cytogenetic location: 7p13.
Variant type: single nucleotide variant.
Coding change: c.677T>G on transcript NM_031443.4 (MANE Select); coding-DNA position 677, T replaced by G.
Protein change: p.Ile226Ser; replaces isoleucine 226 with serine.
Molecular consequence: missense variant. On other transcripts: non-coding transcript variant (1), intron variant (1).
Genome position (GRCh38, 1-based): chr7:45,069,893, T>G. VCF-style: chr7-45069893-T-G. GRCh37 (hg19) VCF-style: chr7-45109492-T-G.
Other names: c.740T>G, p.Ile247Ser (NM_001029835.2); c.503T>G, p.Ile168Ser (NM_001167934.2, NM_001363459.2); c.677T>G, p.Ile226Ser (NM_001363458.2); c.473-2833T>G (NM_001167935.2); short protein forms I247S, I168S, I226S.
Identifiers: ClinVar variation 2833725 (VCV002833725.3), dbSNP rs2486144829, ClinGen allele CA367430635.

ClinVar aggregate classification (germline): Uncertain significance (1 of 4 stars; one submission).

Conditions:
Cerebral cavernous malformation 2. Also called: Familial Cerebral Cavernous Malformation 2. Identifiers: Orphanet 221061, MedGen C1864041, MONDO:0011304, OMIM 603284.

Submission:

Labcorp Genetics (formerly Invitae), Labcorp
Classification: Uncertain significance for Cerebral cavernous malformation 2. Last evaluated: 2023-02-01. Review status: criteria provided, single submitter. Criteria: Invitae Variant Classification Sherloc (09022015). Collection method: clinical testing. Allele origin: germline.
Comment: This sequence change replaces isoleucine, which is neutral and non-polar, with serine, which is neutral and polar, at codon 226 of the CCM2 protein (p.Ile226Ser). This variant is not present in population databases (gnomAD no frequency). This variant has not been reported in the literature in individuals affected with CCM2-related conditions. Advanced modeling of protein sequence and biophysical properties (such as structural, functional, and spatial information, amino acid conservation, physicochemical variation, residue mobility, and thermodynamic stability) performed at Invitae indicates that this missense variant is not expected to disrupt CCM2 protein function. In summary, the available evidence is currently insufficient to determine the role of this variant in disease. Therefore, it has been classified as a Variant of Uncertain Significance.